The following is an entry in ClinVar:

NM_030954.4(RNF170):c.346C>T (p.Arg116Ter)

Gene: RNF170 (ring finger protein 170; minus strand). Cytogenetic location: 8p11.21.
Variant type: single nucleotide variant.
Coding change: c.346C>T on transcript NM_030954.4 (MANE Select); coding-DNA position 346, C replaced by T.
Protein change: p.Arg116Ter; replaces arginine 116 with a stop codon.
Molecular consequence: nonsense.
Genome position (GRCh38, 1-based): chr8:42,865,466, G>A on the plus strand (C>T on the coding strand, the complement: RNF170 is on the minus strand). VCF-style: chr8-42865466-G-A. GRCh37 (hg19) VCF-style: chr8-42720609-G-A.
Other names: c.346C>T, p.Arg116Ter (NM_001160223.2, NM_001160224.2); c.94C>T, p.Arg32Ter (NM_001160225.2); short protein forms R116*, R32*.
Identifiers: ClinVar variation 930981 (VCV000930981.4), dbSNP rs756602672, ClinGen allele CA371112355.

ClinVar aggregate classification (germline): Conflicting classifications of pathogenicity. Review status: criteria provided, conflicting classifications (1 of 4 stars). 2 submissions from 2 submitters: Likely pathogenic (1); Uncertain significance (1). Last evaluated 2022-03-22.

Conditions:
Autosomal dominant sensory ataxia 1. Identifiers: MedGen C1837015, MONDO:0012166, OMIM 608984.
Spastic paraplegia 85, autosomal recessive (SPG85). Identifiers: Orphanet 631082, MedGen C5562053, MONDO:0030512, OMIM 619686.

Submissions (2):

3billion
Classification: Likely pathogenic for Spastic paraplegia 85, autosomal recessive. Last evaluated: 2022-03-22. Review status: criteria provided, single submitter. Criteria: ACMG Guidelines, 2015. Collection method: clinical testing. Allele origin: germline. Affected: yes. Observed: 1 heterozygote.
Comment: Stop-gained (nonsense): predicted to result in a loss or disruption of normal protein function through nonsense-mediated decay (NMD) or protein truncation. Multiple pathogenic variants are reported downstream of the variant.It is not observed in the gnomAD v2.1.1 dataset. Therefore, this variant is classified as likely pathogenic according to the recommendation of ACMG/AMP guideline.

Centre for Mendelian Genomics, University Medical Centre Ljubljana
Classification: Uncertain significance for Autosomal dominant sensory ataxia 1. Last evaluated: 2018-11-21. Review status: criteria provided, single submitter. Criteria: ACMG Guidelines, 2015. Collection method: clinical testing. Allele origin: unknown. Affected: yes.
Comment: This variant was classified as: Uncertain significance. The available evidence on this variant's pathogenicity is insufficient or conflicting. The following ACMG criteria were applied in classifying this variant: PM2,PP3.